The following is an entry in ClinVar:

NM_138413.4(HOGA1):c.206T>G (p.Phe69Cys)

Gene: HOGA1 (4-hydroxy-2-oxoglutarate aldolase 1; plus strand). Cytogenetic location: 10q24.2.
Variant type: single nucleotide variant.
Coding change: c.206T>G on transcript NM_138413.4 (MANE Select); coding-DNA position 206, T replaced by G.
Protein change: p.Phe69Cys; replaces phenylalanine 69 with cysteine.
Molecular consequence: missense variant.
Genome position (GRCh38, 1-based): chr10:97,584,909, T>G. VCF-style: chr10-97584909-T-G. GRCh37 (hg19) VCF-style: chr10-99344666-T-G.
Other names: c.206T>G, p.Phe69Cys (NM_001134670.2); short protein forms F69C.
Identifiers: ClinVar variation 2664381 (VCV002664381.1), dbSNP rs2540060695, ClinGen allele CA377967478.
Genomic context (GRCh38, chr10:97,584,909, plus strand): 5'-CTGCAGAGGTGGACTATGGGAAACTGGAGGAGAATCTGCACAAACTGGGCACCTTCCCCT[T>G]CCGAGGTAAGTGGGGCTGTCCTCTGTGGGACCTGGGGAGATGTGAGTGGCCCTTTAGCCA-3'
Protein context (NP_612422.2, residues 59-79): ENLHKLGTFP[Phe69Cys]RGFVVQGSNG

ClinVar aggregate classification (germline): Likely pathogenic (1 of 4 stars; one submission).

Conditions:
Primary hyperoxaluria type 3. Also called: PH III. Identifiers: Orphanet 416, Orphanet 93600, MedGen C3150878, MONDO:0013327, OMIM 613616. Disease mechanism: loss of function.

Allele frequency attached by ClinVar (database versions not stated): gnomAD exomes below 0.00001.
gnomAD v4.1: 1 of 1,613,966 alleles (0.000062%); highest among the groups gnomAD compares: Non-Finnish European, 0.000085%; no homozygotes.

Submission:

Clinical Biochemistry Laboratory, Health Services Laboratory
Classification: Likely pathogenic for Primary hyperoxaluria type 3. Last evaluated: 2023-10-27. Review status: criteria provided, single submitter. Criteria: ACMG Guidelines, 2015. Collection method: curation. Allele origin: germline. Affected: yes.
Comment: ACMG:PM1 PM2 PM3 PP3 PP4 PP6

Literature cited by the submitters: PubMed 33274618.